The following is an entry in ClinVar:

ClinVar aggregate classification (germline): Uncertain significance. Review status: criteria provided, multiple submitters, no conflicts (2 of 4 stars). 2 submissions from 2 submitters: Uncertain significance (2). Last evaluated 2025-08-30.

Allele frequency attached by ClinVar (database versions not stated): 1000 Genomes Project 30x 0.00016; 1000 Genomes Project 0.00020; ExAC 0.00003; gnomAD 0.00003; gnomAD exomes 0.00005; TOPMed 0.00005.

Submissions (2):

Labcorp Genetics (formerly Invitae), Labcorp
Classification: Uncertain significance. Last evaluated: 2025-08-30. Review status: criteria provided, single submitter. Criteria: Invitae Variant Classification Sherloc (09022015). Collection method: clinical testing. Allele origin: germline.
Comment: This sequence change replaces valine, which is neutral and non-polar, with alanine, which is neutral and non-polar, at codon 456 of the BUB1 protein (p.Val456Ala). This variant is present in population databases (rs531352750, gnomAD 0.009%). This variant has not been reported in the literature in individuals affected with BUB1-related conditions. ClinVar contains an entry for this variant (Variation ID: 1770959). An algorithm developed to predict the effect of missense changes on protein structure and function outputs the following: PolyPhen-2: "Not Available". The alanine amino acid residue is found in multiple mammalian species, which suggests that this missense change does not adversely affect protein function. In summary, the available evidence is currently insufficient to determine the role of this variant in disease. Therefore, it has been classified as a Variant of Uncertain Significance.

Ambry Genetics
Classification: Uncertain significance. Last evaluated: 2024-10-24. Review status: criteria provided, single submitter. Criteria: Ambry Variant Classification Scheme 2023. Collection method: clinical testing. Allele origin: germline.
Comment: The p.V456A variant (also known as c.1367T>C), located in coding exon 12 of the BUB1 gene, results from a T to C substitution at nucleotide position 1367. The valine at codon 456 is replaced by alanine, an amino acid with similar properties. This amino acid position is conserved. In addition, this alteration is predicted to be tolerated by in silico analysis. Since supporting evidence is limited at this time, the clinical significance of this alteration remains unclear.

NM_004336.5(BUB1):c.1367T>C (p.Val456Ala)

Gene: BUB1 (BUB1 mitotic checkpoint serine/threonine kinase; minus strand). Cytogenetic location: 2q13.
Variant type: single nucleotide variant.
Coding change: c.1367T>C on transcript NM_004336.5 (MANE Select); coding-DNA position 1367, T replaced by C.
Protein change: p.Val456Ala; replaces valine 456 with alanine.
Molecular consequence: missense variant.
Genome position (GRCh38, 1-based): chr2:110,658,652, A>G on the plus strand (T>C on the coding strand, the complement: BUB1 is on the minus strand). VCF-style: chr2-110658652-A-G. GRCh37 (hg19) VCF-style: chr2-111416229-A-G.
Other names: c.1307T>C, p.Val436Ala (NM_001278616.2); c.1367T>C, p.Val456Ala (NM_001278617.2); short protein forms V456A, V436A.
Identifiers: ClinVar variation 1770959 (VCV001770959.4), dbSNP rs531352750, ClinGen allele CA1828097.
Genomic context (GRCh38, chr2:110,658,652, plus strand): 5'-ACACTCAGATAAAATACTTTACCTAATGCTTCTTTTGTGTGCACGGTGGGTGATGGCTGC[A>G]CTTTGGATGGCGTTGCCTGAACCATTCCCAGTGATGTGTTTGGAGTTGTGTGAAAAGAAC-3'
Protein context (NP_004327.1, residues 446-466): LGMVQATPSK[Val456Ala]QPSPTVHTKE